The following is an entry in ClinVar:

NM_018238.4(AGK):c.287C>T (p.Thr96Ile)

Gene: AGK (acylglycerol kinase; plus strand). Cytogenetic location: 7q34.
Variant type: single nucleotide variant.
Coding change: c.287C>T on transcript NM_018238.4 (MANE Select); coding-DNA position 287, C replaced by T.
Protein change: p.Thr96Ile; replaces threonine 96 with isoleucine.
Molecular consequence: missense variant.
Genome position (GRCh38, 1-based): chr7:141,601,270, C>T. VCF-style: chr7-141601270-C-T. GRCh37 (hg19) VCF-style: chr7-141301070-C-T.
Other names: c.287C>T, p.Thr96Ile (NM_001364948.3); short protein forms T96I.
Identifiers: ClinVar variation 2010322 (VCV002010322.4), dbSNP rs2485537118, ClinGen allele CA369547271.

ClinVar aggregate classification (germline): Uncertain significance (1 of 4 stars; one submission).

Conditions:
Cataract 38. Also called: Cataract, autosomal recessive congenital 5; Cataract 38, autosomal recessive. Identifiers: Orphanet 91492, MedGen C3553494, MONDO:0013859, OMIM 614691.
Sengers syndrome. Also called: MITOCHONDRIAL DNA DEPLETION SYNDROME 10 (CARDIOMYOPATHIC TYPE); Cardiomyopathy and cataract. Identifiers: Orphanet 1369, MedGen C1859317, MONDO:0008922, OMIM 212350.

Submission:

Labcorp Genetics (formerly Invitae), Labcorp
Classification: Uncertain significance for Sengers syndrome; Cataract 38. Last evaluated: 2024-01-22. Review status: criteria provided, single submitter. Criteria: Invitae Variant Classification Sherloc (09022015). Collection method: clinical testing. Allele origin: germline.
Comment: This sequence change replaces threonine, which is neutral and polar, with isoleucine, which is neutral and non-polar, at codon 96 of the AGK protein (p.Thr96Ile). This variant is not present in population databases (gnomAD no frequency). This variant has not been reported in the literature in individuals affected with AGK-related conditions. ClinVar contains an entry for this variant (Variation ID: 2010322). Advanced modeling of protein sequence and biophysical properties (such as structural, functional, and spatial information, amino acid conservation, physicochemical variation, residue mobility, and thermodynamic stability) performed at Invitae indicates that this missense variant is not expected to disrupt AGK protein function with a negative predictive value of 80%. In summary, the available evidence is currently insufficient to determine the role of this variant in disease. Therefore, it has been classified as a Variant of Uncertain Significance.